The following is an entry in ClinVar:

NM_006206.6(PDGFRA):c.932A>C (p.Glu311Ala)

Gene: PDGFRA (platelet derived growth factor receptor alpha; plus strand). Cytogenetic location: 4q12.
Variant type: single nucleotide variant.
Coding change: c.932A>C on transcript NM_006206.6 (MANE Select); coding-DNA position 932, A replaced by C.
Protein change: p.Glu311Ala; replaces glutamic acid 311 with alanine.
Molecular consequence: missense variant.
Genome position (GRCh38, 1-based): chr4:54,267,552, A>C. VCF-style: chr4-54267552-A-C. GRCh37 (hg19) VCF-style: chr4-55133719-A-C.
Other names: c.932A>C, p.Glu311Ala (NM_001347827.2, NM_001347829.2); c.1007A>C, p.Glu336Ala (NM_001347828.2); c.971A>C, p.Glu324Ala (NM_001347830.2); short protein forms E324A, E336A, E311A.
Identifiers: ClinVar variation 837995 (VCV000837995.11), dbSNP rs1723106857, ClinGen allele CA356891429.

ClinVar aggregate classification (germline): Uncertain significance. Review status: criteria provided, multiple submitters, no conflicts (2 of 4 stars). 2 submissions from 2 submitters: Uncertain significance (2). Last evaluated 2025-07-29.

Conditions:
Hereditary cancer-predisposing syndrome. Also called: Neoplastic Syndromes, Hereditary; Tumor predisposition; Hereditary Cancer Syndrome; Hereditary neoplastic syndrome. Identifiers: Orphanet 140162, MedGen C0027672, MeSH D009386, MONDO:0015356.
Gastrointestinal stromal tumor. Also called: Gastrointestinal stromal tumor, somatic; Gastrointestinal stroma tumor. Identifiers: Orphanet 44890, MedGen C0238198, MeSH D046152, MONDO:0011719, OMIM 606764, HP:0100723.

Allele frequency attached by ClinVar (database versions not stated): gnomAD exomes below 0.00001.
gnomAD v4.1: 1 of 1,614,138 alleles (0.000062%); highest among the groups gnomAD compares: Non-Finnish European, 0.000085%; no homozygotes.

Submissions (2):

Ambry Genetics
Classification: Uncertain significance for Hereditary cancer-predisposing syndrome. Last evaluated: 2025-07-29. Review status: criteria provided, single submitter. Criteria: Ambry Variant Classification Scheme 2023. Collection method: clinical testing. Allele origin: germline.
Comment: The p.E311A variant (also known as c.932A>C) is located in coding exon 6 of the PDGFRA gene. The glutamic acid at codon 311 is replaced by alanine, an amino acid with dissimilar properties. This change occurs in the first base pair of coding exon 6. This amino acid position is well conserved in available vertebrate species. In addition, this alteration is predicted to be tolerated by in silico analysis. Based on the available evidence, the clinical significance of this variant remains unclear.

Labcorp Genetics (formerly Invitae), Labcorp
Classification: Uncertain significance for Gastrointestinal stromal tumor. Last evaluated: 2022-09-29. Review status: criteria provided, single submitter. Criteria: Invitae Variant Classification Sherloc (09022015). Collection method: clinical testing. Allele origin: germline.
Comment: In summary, the available evidence is currently insufficient to determine the role of this variant in disease. Therefore, it has been classified as a Variant of Uncertain Significance. Algorithms developed to predict the effect of missense changes on protein structure and function (SIFT, PolyPhen-2, Align-GVGD) all suggest that this variant is likely to be tolerated. ClinVar contains an entry for this variant (Variation ID: 837995). This variant has not been reported in the literature in individuals affected with PDGFRA-related conditions. This variant is not present in population databases (gnomAD no frequency). This sequence change replaces glutamic acid, which is acidic and polar, with alanine, which is neutral and non-polar, at codon 311 of the PDGFRA protein (p.Glu311Ala).